The following is an entry in ClinVar:

ClinVar aggregate classification (germline): Benign (1 of 4 stars; one submission).

Conditions:
Platelet-type bleeding disorder 9 (BDPLT9). Also called: GLYCOPROTEIN Ia DEFICIENCY; GP Ia DEFICIENCY; COLLAGEN PLATELET RECEPTOR DEFICIENCY. Identifiers: Orphanet 73271, Orphanet 98886, MedGen C3280114, MONDO:0013622, OMIM 614200.

Allele frequency attached by ClinVar (database versions not stated): 1000 Genomes Project 0.00060; 1000 Genomes Project 30x 0.00062; gnomAD 0.00119 and 0.00123; TOPMed 0.00122.

Submission:

Illumina Laboratory Services, Illumina
Classification: Benign for Platelet-type bleeding disorder 9. Last evaluated: 2018-01-13. Review status: criteria provided, single submitter. Criteria: ICSL Variant Classification Criteria 13 December 2019. Collection method: clinical testing. Allele origin: germline.
Comment: This variant was observed in the ICSL laboratory as part of a predisposition screen in an ostensibly healthy population. It had not been previously curated by ICSL or reported in the Human Gene Mutation Database (HGMD: prior to June 1st, 2018), and was therefore a candidate for classification through an automated scoring system. Utilizing variant allele frequency, disease prevalence and penetrance estimates, and inheritance mode, an automated score was calculated to assess if this variant is too frequent to cause the disease. Based on the score and internal cut-off values, a variant classified as benign is not then subjected to further curation. The score for this variant resulted in a classification of benign for this disease.

NM_002203.4(ITGA2):c.*2716C>G

Gene: ITGA2 (integrin subunit alpha 2; plus strand). Cytogenetic location: 5q11.2.
Variant type: single nucleotide variant.
Coding change: c.*2716C>G on transcript NM_002203.4 (MANE Select); 2716 bases downstream of the stop codon, C replaced by G.
Molecular consequence: 3 prime UTR variant. On other transcripts: non-coding transcript variant (5).
Genome position (GRCh38, 1-based): chr5:53,093,315, C>G. VCF-style: chr5-53093315-C-G. GRCh37 (hg19) VCF-style: chr5-52389145-C-G.
Identifiers: ClinVar variation 353833 (VCV000353833.5), dbSNP rs149715267, ClinGen allele CA10624696.